The following is an entry in ClinVar:

NM_000310.4(PPT1):c.362+61C>T

Gene: PPT1 (palmitoyl-protein thioesterase 1; minus strand). Cytogenetic location: 1p34.2.
Variant type: single nucleotide variant.
Coding change: c.362+61C>T on transcript NM_000310.4 (MANE Select); 61 bases into the intron after coding-DNA position 362, C replaced by T.
Molecular consequence: intron variant.
Genome position (GRCh38, 1-based): chr1:40,091,984, G>A on the plus strand (C>T on the coding strand, the complement: PPT1 is on the minus strand). VCF-style: chr1-40091984-G-A. GRCh37 (hg19) VCF-style: chr1-40557656-G-A.
Other names: c.125-2472C>T (NM_001142604.2); c.362+61C>T (NM_001363695.2).
Identifiers: ClinVar variation 670733 (VCV000670733.6), dbSNP rs6672053, ClinGen allele CA10977500.

ClinVar aggregate classification (germline): Benign. Review status: criteria provided, multiple submitters, no conflicts (2 of 4 stars). 4 submissions from 4 submitters: Benign (4). Last evaluated 2024-07-15.

Conditions:
Neuronal ceroid lipofuscinosis 1 (CLN1). Also called: CEROID LIPOFUSCINOSIS, NEURONAL, 1, VARIABLE AGE AT ONSET; PPT1-Related Neuronal Ceroid-Lipofuscinosis. Identifiers: Orphanet 228329, MedGen C1850451, MONDO:0009744, OMIM 256730.

Allele frequency attached by ClinVar (database versions not stated): 1000 Genomes Project 30x 0.61056; 1000 Genomes Project 0.62121; TOPMed 0.63234; gnomAD 0.64379 and 0.64514; gnomAD exomes 0.70438.
gnomAD v4.1: 1,114,585 of 1,595,178 alleles (70%); highest among the groups gnomAD compares: Non-Finnish European, 72%; 392,643 homozygotes.

Submissions (4):

Unidad de Genómica Garrahan, Hospital de Pediatría Garrahan
Classification: Benign. Last evaluated: 2024-07-15. Review status: criteria provided, single submitter. Criteria: ACMG Guidelines, 2015. Collection method: clinical testing. Allele origin: germline. Affected: no. Observed: 67 variant alleles.
Comment: This variant is classified as Benign based on local population frequency. This variant was detected in 72% of patients studied in a panel designed for Epileptic and Developmental Encephalopathy and Progressive Myoclonus Epilepsy. Number of patients: 67. Only high quality variants are reported.

Genome-Nilou Lab
Classification: Benign for Neuronal ceroid lipofuscinosis 1. Last evaluated: 2021-07-08. Review status: criteria provided, single submitter. Criteria: ACMG Guidelines, 2015. Collection method: clinical testing. Allele origin: germline. Affected: no.

GeneDx
Classification: Benign. Last evaluated: 2018-06-14. Review status: criteria provided, single submitter. Criteria: GeneDx Variant Classification (06012015). Collection method: clinical testing. Allele origin: germline. Affected: yes.
Comment: This variant is considered likely benign or benign based on one or more of the following criteria: it is a conservative change, it occurs at a poorly conserved position in the protein, it is predicted to be benign by multiple in silico algorithms, and/or has population frequency not consistent with disease.

Breakthrough Genomics
Classification: Benign. Review status: criteria provided, single submitter. Criteria: ACMG Guidelines, 2015. Collection method: not provided. Allele origin: germline. Inheritance: Autosomal recessive inheritance. Affected: yes.